The following is an entry in ClinVar:

ClinVar aggregate classification (germline): Pathogenic (1 of 4 stars; one submission).

Submission:

Labcorp Genetics (formerly Invitae), Labcorp
Classification: Pathogenic. Last evaluated: 2025-04-11. Review status: criteria provided, single submitter. Criteria: Invitae Variant Classification Sherloc (09022015). Collection method: clinical testing. Allele origin: germline.
Comment: This sequence change creates a premature translational stop signal (p.Leu367Cysfs*7) in the IMPG2 gene. It is expected to result in an absent or disrupted protein product. Loss-of-function variants in IMPG2 are known to be pathogenic (PMID: 20673862). This variant is not present in population databases (gnomAD no frequency). This variant has not been reported in the literature in individuals affected with IMPG2-related conditions. ClinVar contains an entry for this variant (Variation ID: 2119365). For these reasons, this variant has been classified as Pathogenic.

Literature cited by the submitters: PubMed 20673862.

NM_016247.4(IMPG2):c.1100del (p.Leu367fs)

Gene: IMPG2 (interphotoreceptor matrix proteoglycan 2; minus strand). Cytogenetic location: 3q12.3.
Variant type: Deletion.
Coding change: c.1100del on transcript NM_016247.4 (MANE Select); coding-DNA position 1100, one base deleted (T; older notation c.1100delT).
Protein change: p.Leu367fs; shifts the reading frame from leucine 367.
Molecular consequence: frameshift variant.
Genome position (GRCh38, 1-based): chr3:101,257,582, A deleted on the plus strand (T on the coding strand, the reverse complement: IMPG2 is on the minus strand); the first of 6 consecutive A bases (chr3:101,257,582-101,257,587); deleting any one gives the same sequence. VCF-style (leftmost placement, unchanged base first): chr3-101257581-CA-C. GRCh37 (hg19) VCF-style: chr3-100976425-CA-C.
Other names: short protein forms L367fs.
Identifiers: ClinVar variation 2119365 (VCV002119365.4), dbSNP rs1260931426, ClinGen allele CA2580068545.